The following is an entry in ClinVar:

NM_005677.4(COLQ):c.1214G>T (p.Cys405Phe)

Gene: COLQ (collagen like tail subunit of asymmetric acetylcholinesterase; minus strand). Cytogenetic location: 3p25.1.
Variant type: single nucleotide variant.
Coding change: c.1214G>T on transcript NM_005677.4 (MANE Select); coding-DNA position 1214, G replaced by T.
Protein change: p.Cys405Phe; replaces cysteine 405 with phenylalanine.
Molecular consequence: missense variant.
Genome position (GRCh38, 1-based): chr3:15,453,913, C>A on the plus strand (G>T on the coding strand, the complement: COLQ is on the minus strand). VCF-style: chr3-15453913-C-A. GRCh37 (hg19) VCF-style: chr3-15495420-C-A.
Other names: c.1184G>T, p.Cys395Phe (NM_080538.2); c.1112G>T, p.Cys371Phe (NM_080539.4); short protein forms C395F, C405F, C371F.
Identifiers: ClinVar variation 952624 (VCV000952624.9), dbSNP rs1336071409, ClinGen allele CA351595700.

ClinVar aggregate classification (germline): Uncertain significance. Review status: criteria provided, multiple submitters, no conflicts (2 of 4 stars). 2 submissions from 2 submitters: Uncertain significance (2). Last evaluated 2021-08-10.

Conditions:
Congenital myasthenic syndrome 5. Identifiers: Orphanet 590, MedGen C1864233, MONDO:0011281, OMIM 603034.

Allele frequency attached by ClinVar (database versions not stated): gnomAD exomes 0.00001.
gnomAD v4.1: 3 of 1,609,766 alleles (0.00019%); highest among the groups gnomAD compares: Admixed American, 0.005%; no homozygotes.

Submissions (2):

Women's Health and Genetics/Laboratory Corporation of America, LabCorp
Classification: Uncertain significance. Last evaluated: 2021-08-10. Review status: criteria provided, single submitter. Criteria: LabCorp Variant Classification Summary - May 2015. Collection method: clinical testing. Allele origin: germline.
Comment: Variant summary: COLQ c.1214G>T (p.Cys405Phe) results in a non-conservative amino acid change in the encoded protein sequence. Five of five in-silico tools predict a damaging effect of the variant on protein function. The variant allele was found at a frequency of 8.2e-06 in 243506 control chromosomes (gnomAD). The available data on variant occurrences in the general population are insufficient to allow any conclusion about variant significance. c.1214G>T has been reported in the literature in an individuals affected with Acetylcholinesterase deficiency (Arredondo_2014). This report however does not provide unequivocal conclusions about association of the variant with Congenital Myasthenic Syndrome. At least one publication reports experimental evidence evaluating an impact on protein function, however, does not allow convincing conclusions about the variant effect. One clinical diagnostic laboratory has submitted clinical-significance assessments for this variant to ClinVar after 2014 without evidence for independent evaluation. One laboratory classified the variant as uncertain significance. Based on the evidence outlined above, the variant was classified as uncertain significance.

Labcorp Genetics (formerly Invitae), Labcorp
Classification: Uncertain significance for Congenital myasthenic syndrome 5. Last evaluated: 2019-09-29. Review status: criteria provided, single submitter. Criteria: Invitae Variant Classification Sherloc (09022015). Collection method: clinical testing. Allele origin: germline.
Comment: This sequence change replaces cysteine with phenylalanine at codon 405 of the COLQ protein (p.Cys405Phe). The cysteine residue is highly conserved and there is a large physicochemical difference between cysteine and phenylalanine. In summary, the available evidence is currently insufficient to determine the role of this variant in disease. Therefore, it has been classified as a Variant of Uncertain Significance. This variant has been reported to affect COLQ protein function (PMID: 24281389). This variant has been observed in an individual affected with clinical features of congenital myasthenic syndrome; however, no second mutation was identified in this individual (PMID: 24281389). This variant is not present in population databases (ExAC no frequency).

Literature cited by the submitters: PubMed 24281389 (cited by Women's Health and Genetics/Laboratory Corporation of America, LabCorp and Labcorp Genetics (formerly Invitae), Labcorp).